The following is an entry in ClinVar:

ClinVar aggregate classification (germline): Conflicting classifications of pathogenicity. Review status: criteria provided, conflicting classifications (1 of 4 stars). 4 submissions from 4 submitters: Uncertain significance (3); Likely benign (1). Last evaluated 2026-09-01.

Conditions:
Cardiomyopathy (CMYO). Also called: Cardiomyopathies. Identifiers: Orphanet 167848, MedGen C0878544, MONDO:0004994, HP:0001638. Inheritance: Various modes of inheritance.
Tibial muscular dystrophy (TMD). Also called: Tibial muscular dystrophy, tardive; UDD MYOPATHY; Udd Distal Myopathy – Tibial Muscular Dystrophy. Identifiers: Orphanet 609, MedGen C1838244, MONDO:0010870, OMIM 600334.

Allele frequency attached by ClinVar (database versions not stated): gnomAD 0.00002; ExAC 0.00003; gnomAD exomes 0.00003; TOPMed 0.00003; 1000 Genomes Project 30x 0.00016.
gnomAD v4.1: 22 of 1,578,732 alleles (0.0014%); highest among the groups gnomAD compares: East Asian, 0.009%; no homozygotes.

Submissions (4):

CeGaT Center for Human Genetics Tuebingen
Classification: Uncertain significance. Last evaluated: 2026-09-01. Review status: criteria provided, single submitter. Criteria: CeGaT Center For Human Genetics Tuebingen Variant Classification Criteria Version 2. Collection method: clinical testing. Allele origin: germline. Affected: yes. Observed: 1 variant allele.

OLLIN Analises Genomicas, OLLIN
Classification: Uncertain significance for Tibial muscular dystrophy. Last evaluated: 2026-08-06. Review status: criteria provided, single submitter. Criteria: ACMG Guidelines 2015 PMID 25741868. Collection method: clinical testing. Allele origin: germline. Inheritance: Autosomal dominant inheritance.
Comment: This missense variant, located in exon 304 (of 363), has been reported in ClinVar (accession VCV001012977.13) and in gnomAD with an allele frequency of 0.0014%. However, to our knowledge, it has not been reported in the scientific literature. In silico analysis is inconclusive regarding the impact of this variant. According to the currently available evidence, this variant has been classified as uncertain significance (PM2_P).

CHEO Genetics Diagnostic Laboratory, Children's Hospital of Eastern Ontario
Classification: Uncertain significance for Cardiomyopathy. Last evaluated: 2021-08-13. Review status: criteria provided, single submitter. Criteria: ACMG Guidelines, 2015. Collection method: clinical testing. Allele origin: germline.

GeneDx
Classification: Likely benign. Last evaluated: 2021-04-12. Review status: criteria provided, single submitter. Criteria: GeneDx Variant Classification Process June 2021. Collection method: clinical testing. Allele origin: germline. Affected: yes.

NM_001267550.2(TTN):c.61462G>A (p.Val20488Met)

Genes: TTN-AS1 (TTN antisense RNA 1; plus strand), TTN (titin; minus strand). Cytogenetic location: 2q31.2.
Variant type: single nucleotide variant.
Coding change: c.61462G>A on transcript NM_001267550.2 (MANE Select); coding-DNA position 61462, G replaced by A.
Protein change: p.Val20488Met; replaces valine 20488 with methionine.
Molecular consequence: missense variant.
Genome position (GRCh38, 1-based): chr2:178,590,263, C>T on the plus strand (G>A on the coding strand, the complement: TTN is on the minus strand). VCF-style: chr2-178590263-C-T. GRCh37 (hg19) VCF-style: chr2-179454990-C-T.
Other names: c.56539G>A, p.Val18847Met (NM_001256850.1); c.34267G>A, p.Val11423Met (NM_003319.4); c.53758G>A, p.Val17920Met (NM_133378.4); c.34642G>A, p.Val11548Met (NM_133432.3); c.34843G>A, p.Val11615Met (NM_133437.4); short protein forms V11423M, V11548M, V11615M, V17920M, V18847M, V20488M.
Identifiers: ClinVar variation 1012977 (VCV001012977.15), dbSNP rs77957535, ClinGen allele CA1992365.